The following is an entry in ClinVar:

NM_012141.3(INTS6):c.153G>A (p.Met51Ile)

Genes: INTS6 (integrator complex subunit 6; minus strand), LOC130009818 (ATAC-STARR-seq lymphoblastoid silent region 5369; plus strand). Cytogenetic location: 13q14.3.
Variant type: single nucleotide variant.
Coding change: c.153G>A on transcript NM_012141.3 (MANE Select); coding-DNA position 153, G replaced by A.
Protein change: p.Met51Ile; replaces methionine 51 with isoleucine.
Molecular consequence: missense variant. On other transcripts: 5 prime UTR variant (1).
Genome position (GRCh38, 1-based): chr13:51,452,014, C>T on the plus strand (G>A on the coding strand, the complement: INTS6 is on the minus strand). VCF-style: chr13-51452014-C-T. GRCh37 (hg19) VCF-style: chr13-52026150-C-T.
Other names: c.114G>A, p.Met38Ile (NM_001039937.2); c.153G>A, p.Met51Ile (NM_001039938.2); c.-666G>A (NM_001306091.2); short protein forms M38I, M51I.
Identifiers: ClinVar variation 4529730 (VCV004529730.1).

ClinVar aggregate classification (germline): Uncertain significance (1 of 4 stars; one submission).

Submission:

GeneDx
Classification: Uncertain significance. Last evaluated: 2024-02-21. Review status: criteria provided, single submitter. Criteria: GeneDx Variant Classification Process June 2021. Collection method: clinical testing. Allele origin: germline. Affected: yes.
Comment: Not observed at significant frequency in large population cohorts (gnomAD); In silico analysis supports that this missense variant has a deleterious effect on protein structure/function; Has not been previously published as pathogenic or benign to our knowledge; Variants in candidate genes are classified as variants of uncertain significance in accordance with ACMG guidelines (PMID: 25741868)